The following is an entry in ClinVar:

ClinVar aggregate classification (germline): Uncertain significance (1 of 4 stars; one submission).

Conditions:
Familial adenomatous polyposis 1 (FAP1). Also called: FAMILIAL ADENOMATOUS POLYPOSIS 1, ATTENUATED; POLYPOSIS, ADENOMATOUS INTESTINAL. Identifiers: MedGen C2713442, MONDO:0021056, OMIM 175100. Disease mechanism: loss of function.

Submission:

Labcorp Genetics (formerly Invitae), Labcorp
Classification: Uncertain significance for Familial adenomatous polyposis 1. Last evaluated: 2025-08-06. Review status: criteria provided, single submitter. Criteria: Invitae Variant Classification Sherloc (09022015). Collection method: clinical testing. Allele origin: germline.
Comment: This sequence change replaces proline, which is neutral and non-polar, with alanine, which is neutral and non-polar, at codon 1233 of the APC protein (p.Pro1233Ala). This variant is not present in population databases (gnomAD no frequency). This variant has not been reported in the literature in individuals affected with APC-related conditions. Invitae Evidence Modeling of protein sequence and biophysical properties (such as structural, functional, and spatial information, amino acid conservation, physicochemical variation, residue mobility, and thermodynamic stability) indicates that this missense variant is not expected to disrupt APC protein function with a negative predictive value of 95%. In summary, the available evidence is currently insufficient to determine the role of this variant in disease. Therefore, it has been classified as a Variant of Uncertain Significance.

NM_000038.6(APC):c.3697C>G (p.Pro1233Ala)

Gene: APC (APC regulator of Wnt signaling pathway; plus strand). Cytogenetic location: 5q22.2.
Variant type: single nucleotide variant.
Coding change: c.3697C>G on transcript NM_000038.6 (MANE Select); coding-DNA position 3697, C replaced by G.
Protein change: p.Pro1233Ala; replaces proline 1233 with alanine.
Molecular consequence: missense variant. On other transcripts: non-coding transcript variant (2).
Genome position (GRCh38, 1-based): chr5:112,839,291, C>G. VCF-style: chr5-112839291-C-G. GRCh37 (hg19) VCF-style: chr5-112174988-C-G.
Other names: c.3697C>G, p.Pro1233Ala (NM_001127510.3, NM_001354895.2, NM_001407450.1); c.3643C>G, p.Pro1215Ala (NM_001127511.3); c.3751C>G, p.Pro1251Ala (NM_001354896.2, NM_001407447.1, NM_001407448.1 and 1 more transcripts); c.3727C>G, p.Pro1243Ala (NM_001354897.2); c.3622C>G, p.Pro1208Ala (NM_001354898.2); c.3613C>G, p.Pro1205Ala (NM_001354899.2); c.3574C>G, p.Pro1192Ala (NM_001354900.2); c.3520C>G, p.Pro1174Ala (NM_001354901.2, NM_001407453.1); and 11 more; short protein forms P1107A, P1150A, P1243A, P1261A, P849A, P1073A, P1104A, P1132A.
Identifiers: ClinVar variation 4708520 (VCV004708520.1).